The following is an entry in ClinVar:

NM_001371279.1(REEP1):c.250_253dup (p.Ser85fs)

Gene: REEP1 (receptor accessory protein 1; minus strand). Cytogenetic location: 2p11.2.
Variant type: Duplication.
Coding change: c.250_253dup on transcript NM_001371279.1 (MANE Select); coding-DNA positions 250 to 253, 4 bases duplicated (TCCA; older notation c.250_253dupTCCA).
Protein change: p.Ser85fs; shifts the reading frame from serine 85.
Molecular consequence: frameshift variant. On other transcripts: intron variant (1).
Genome position (GRCh38, 1-based): chr2:86,254,744-86,254,747, TGGA duplicated on the plus strand (TCCA on the coding strand, the reverse complement: REEP1 is on the minus strand). VCF-style (leftmost placement, unchanged base first): chr2-86254743-C-CTGGA. GRCh37 (hg19) VCF-style: chr2-86481866-C-CTGGA.
Other names: c.271_274dup, p.Ser92fs (NM_001164730.2); c.169_172dup, p.Ser58fs (NM_001164731.2); c.250_253dup, p.Ser85fs (NM_001371280.1, NM_001410855.1, NM_001410856.1 and 1 more transcripts); c.182+9218_182+9221dup (NM_001164732.2); short protein forms S92fs, S85fs, S58fs.
Identifiers: ClinVar variation 2766778 (VCV002766778.4), dbSNP rs2468842127, ClinGen allele CA2697548327.
Genomic context (GRCh38, chr2:86,254,743, plus strand): 5'-GCATATATTACCTTTTCTTTTGAAGATAGCGTGGGATGTACAAACTTCCTGTACAGGAGG[C>CTGGA]TGGAGCCTTTTGTGTAGGGAGACAGCAGCCAGGCTACAAATGCTATTTTTAGTTCATAAT-3'

ClinVar aggregate classification (germline): Pathogenic/Likely pathogenic. Review status: criteria provided, multiple submitters, no conflicts (2 of 4 stars). 2 submissions from 2 submitters: Pathogenic (1); Likely pathogenic (1). Last evaluated 2023-11-07.

Conditions:
Hereditary spastic paraplegia 31. Also called: SPASTIC PARAPLEGIA 31, AUTOSOMAL DOMINANT. Identifiers: Orphanet 101011, MedGen C1853247, MONDO:0012453, OMIM 610250.

Submissions (2):

Clinical Genetics Laboratory, Skane University Hospital Lund
Classification: Likely pathogenic. Last evaluated: 2023-11-07. Review status: criteria provided, single submitter. Criteria: ACMG Guidelines, 2015. Collection method: clinical testing. Allele origin: germline. Affected: yes.

Labcorp Genetics (formerly Invitae), Labcorp
Classification: Pathogenic for Hereditary spastic paraplegia 31. Last evaluated: 2023-10-08. Review status: criteria provided, single submitter. Criteria: Invitae Variant Classification Sherloc (09022015). Collection method: clinical testing. Allele origin: germline.
Comment: This sequence change creates a premature translational stop signal (p.Ser85Ilefs*22) in the REEP1 gene. It is expected to result in an absent or disrupted protein product. Loss-of-function variants in REEP1 are known to be pathogenic (PMID: 18321925, 18644145, 22703882). This variant is not present in population databases (gnomAD no frequency). This variant has not been reported in the literature in individuals affected with REEP1-related conditions. For these reasons, this variant has been classified as Pathogenic.

Literature cited by the submitters: PubMed 18321925 (cited by Labcorp Genetics (formerly Invitae), Labcorp); PubMed 18644145 (cited by Labcorp Genetics (formerly Invitae), Labcorp); PubMed 22703882 (cited by Labcorp Genetics (formerly Invitae), Labcorp).